The following is an entry in ClinVar:

ClinVar aggregate classification (germline): Pathogenic. Review status: criteria provided, multiple submitters, no conflicts (2 of 4 stars). 3 submissions from 3 submitters: Pathogenic (3). Last evaluated 2024-06-05.

Conditions:
Hereditary cancer-predisposing syndrome. Also called: Tumor predisposition; Hereditary neoplastic syndrome; Neoplastic Syndromes, Hereditary; Hereditary Cancer Syndrome. Identifiers: Orphanet 140162, MedGen C0027672, MeSH D009386, MONDO:0015356.
Familial cancer of breast. Also called: Hereditary breast cancer; hereditary breast carcinoma; BREAST CANCER, FAMILIAL. Identifiers: Orphanet 227535, MedGen C0346153, MONDO:0016419, OMIM 114480. Disease mechanism: loss of function.

Submissions (3):

Ambry Genetics
Classification: Pathogenic for Hereditary cancer-predisposing syndrome. Last evaluated: 2024-06-05. Review status: criteria provided, single submitter. Criteria: Ambry Variant Classification Scheme 2023. Collection method: clinical testing. Allele origin: germline.
Comment: The c.1454_1458delCTAAA pathogenic mutation, located in coding exon 4 of the PALB2 gene, results from a deletion of 5 nucleotides at nucleotide positions 1454 to 1458, causing a translational frameshift with a predicted alternate stop codon (p.T485Sfs*9). This variant is considered to be rare based on population cohorts in the Genome Aggregation Database (gnomAD). This alteration is expected to result in loss of function by premature protein truncation or nonsense-mediated mRNA decay. As such, this alteration is interpreted as a disease-causing mutation.

Myriad Genetics, Inc.
Classification: Pathogenic for Familial cancer of breast. Last evaluated: 2023-09-08. Review status: criteria provided, single submitter. Criteria: Myriad Autosomal Dominant, Autosomal Recessive and X-Linked Classification Criteria (2023). Collection method: clinical testing. Allele origin: unknown.
Comment: This variant is considered pathogenic. This variant creates a frameshift predicted to result in premature protein truncation.

Labcorp Genetics (formerly Invitae), Labcorp
Classification: Pathogenic for Familial cancer of breast. Last evaluated: 2022-01-07. Review status: criteria provided, single submitter. Criteria: Invitae Variant Classification Sherloc (09022015). Collection method: clinical testing. Allele origin: germline.
Comment: This sequence change creates a premature translational stop signal (p.Thr485Serfs*9) in the PALB2 gene. It is expected to result in an absent or disrupted protein product. Loss-of-function variants in PALB2 are known to be pathogenic (PMID: 17200668, 17200671, 17200672, 24136930, 25099575). This variant is not present in population databases (gnomAD no frequency). This variant has not been reported in the literature in individuals affected with PALB2-related conditions. ClinVar contains an entry for this variant (Variation ID: 1073140). For these reasons, this variant has been classified as Pathogenic.

Literature cited by the submitters: PubMed 17200668 (cited by Labcorp Genetics (formerly Invitae), Labcorp); PubMed 17200671 (cited by Labcorp Genetics (formerly Invitae), Labcorp); PubMed 17200672 (cited by Labcorp Genetics (formerly Invitae), Labcorp); PubMed 24136930 (cited by Labcorp Genetics (formerly Invitae), Labcorp); PubMed 25099575 (cited by Labcorp Genetics (formerly Invitae), Labcorp).

NM_024675.4(PALB2):c.1454_1458del (p.Thr485fs)

Gene: PALB2 (partner and localizer of BRCA2; minus strand). Cytogenetic location: 16p12.2.
Variant type: Deletion.
Coding change: c.1454_1458del on transcript NM_024675.4 (MANE Select); coding-DNA positions 1454 to 1458, 5 bases deleted (CTAAA; older notation c.1454_1458delCTAAA).
Protein change: p.Thr485fs; shifts the reading frame from threonine 485.
Molecular consequence: frameshift variant.
Genome position (GRCh38, 1-based): chr16:23,635,088-23,635,092, TTTAG deleted on the plus strand (CTAAA on the coding strand, the reverse complement: PALB2 is on the minus strand); deleting any 5 consecutive bases within chr16:23,635,088-23,635,094 gives the same sequence; the c. name uses the placement nearest the transcript's 3' end. VCF-style (leftmost placement, unchanged base first): chr16-23635087-CTTTAG-C. GRCh37 (hg19) VCF-style: chr16-23646408-CTTTAG-C.
Other names: c.1454_1458delCTAAA (NM_024675.3); short protein forms T485fs.
Identifiers: ClinVar variation 1073140 (VCV001073140.11), dbSNP rs2142415370, ClinGen allele CA2499223435.